The following is an entry in ClinVar:

NM_001378452.1(ITPR1):c.6992T>C (p.Ile2331Thr)

Gene: ITPR1 (inositol 1,4,5-trisphosphate receptor type 1; plus strand). Cytogenetic location: 3p26.1.
Variant type: single nucleotide variant.
Coding change: c.6992T>C on transcript NM_001378452.1 (MANE Select); coding-DNA position 6992, T replaced by C.
Protein change: p.Ile2331Thr; replaces isoleucine 2331 with threonine.
Molecular consequence: missense variant.
Genome position (GRCh38, 1-based): chr3:4,800,485, T>C. VCF-style: chr3-4800485-T-C. GRCh37 (hg19) VCF-style: chr3-4842169-T-C.
Other names: c.6848T>C, p.Ile2283Thr (NM_001099952.4); c.6947T>C, p.Ile2316Thr (NM_001168272.2); c.6803T>C, p.Ile2268Thr (NM_002222.7); c.6803T>C (NM_002222.5); short protein forms I2268T, I2316T, I2331T, I2283T.
Identifiers: ClinVar variation 1449194 (VCV001449194.10), dbSNP rs570295932, ClinGen allele CA2232749.

ClinVar aggregate classification (germline): Uncertain significance. Review status: criteria provided, multiple submitters, no conflicts (2 of 4 stars). 3 submissions from 3 submitters: Uncertain significance (2). 1 of the submissions does not count toward it. Last evaluated 2025-11-09.

Conditions:
ITPR1-related disorder. Also called: ITPR1-related condition.
Inborn genetic diseases. Identifiers: MedGen C0950123, MeSH D030342.

Allele frequency attached by ClinVar (database versions not stated): gnomAD exomes below 0.00001 and 0.00001; ExAC 0.00001; gnomAD 0.00001; TOPMed 0.00001; 1000 Genomes Project 30x 0.00016; 1000 Genomes Project 0.00020.
gnomAD v4.1: 5 of 1,614,050 alleles (0.00031%); highest among the groups gnomAD compares: East Asian, 0.0045%; no homozygotes.

Submissions (3):

Labcorp Genetics (formerly Invitae), Labcorp
Classification: Uncertain significance. Last evaluated: 2025-11-09. Review status: criteria provided, single submitter. Criteria: Invitae Variant Classification Sherloc (09022015). Collection method: clinical testing. Allele origin: germline.
Comment: This sequence change replaces isoleucine, which is neutral and non-polar, with threonine, which is neutral and polar, at codon 2268 of the ITPR1 protein (p.Ile2268Thr). This variant is present in population databases (rs570295932, gnomAD 0.006%). This variant has not been reported in the literature in individuals affected with ITPR1-related conditions. ClinVar contains an entry for this variant (Variation ID: 1449194). Invitae Evidence Modeling of protein sequence and biophysical properties (such as structural, functional, and spatial information, amino acid conservation, physicochemical variation, residue mobility, and thermodynamic stability) indicates that this missense variant is not expected to disrupt ITPR1 protein function with a negative predictive value of 95%. In summary, the available evidence is currently insufficient to determine the role of this variant in disease. Therefore, it has been classified as a Variant of Uncertain Significance.

Ambry Genetics
Classification: Uncertain significance for Inborn genetic diseases. Last evaluated: 2023-09-21. Review status: criteria provided, single submitter. Criteria: Ambry Variant Classification Scheme 2023. Collection method: clinical testing. Allele origin: germline.

PreventionGenetics, part of Exact Sciences
Classification: Uncertain significance for ITPR1-related condition. Last evaluated: 2024-08-14. Review status: no assertion criteria provided. Collection method: clinical testing. Allele origin: germline. Not counted in ClinVar's aggregate classification.
Comment: The ITPR1 c.6803T>C variant is predicted to result in the amino acid substitution p.Ile2268Thr. To our knowledge, this variant has not been reported in the literature. This variant is reported in 0.0056% of alleles in individuals of East Asian descent in gnomAD. At this time, the clinical significance of this variant is uncertain due to the absence of conclusive functional and genetic evidence.